The following is an entry in ClinVar:

NM_006929.5(SKIC2):c.1970A>C (p.Lys657Thr)

Gene: SKIC2 (SKI2 subunit of superkiller complex; plus strand). Cytogenetic location: 6p21.33.
Variant type: single nucleotide variant.
Coding change: c.1970A>C on transcript NM_006929.5 (MANE Select); coding-DNA position 1970, A replaced by C.
Protein change: p.Lys657Thr; replaces lysine 657 with threonine.
Molecular consequence: missense variant.
Genome position (GRCh38, 1-based): chr6:31,964,341, A>C. VCF-style: chr6-31964341-A-C. GRCh37 (hg19) VCF-style: chr6-31932118-A-C.
Other names: c.1970A>C (NM_006929.4); short protein forms K657T.
Identifiers: ClinVar variation 1438215 (VCV001438215.9), dbSNP rs1772687380, ClinGen allele CA363465287.

ClinVar aggregate classification (germline): Uncertain significance. Review status: criteria provided, multiple submitters, no conflicts (2 of 4 stars). 2 submissions from 2 submitters: Uncertain significance (2). Last evaluated 2025-08-28.

Conditions:
Inborn genetic diseases. Identifiers: MedGen C0950123, MeSH D030342.

Allele frequency attached by ClinVar (database versions not stated): gnomAD exomes below 0.00001; TOPMed below 0.00001.
gnomAD v4.1: 1 of 1,611,490 alleles (0.000062%); highest among the groups gnomAD compares: Admixed American, 0.0017%; no homozygotes.

Submissions (2):

Ambry Genetics
Classification: Uncertain significance for Inborn genetic diseases. Last evaluated: 2025-08-28. Review status: criteria provided, single submitter. Criteria: Ambry Variant Classification Scheme 2023. Collection method: clinical testing. Allele origin: germline.

Labcorp Genetics (formerly Invitae), Labcorp
Classification: Uncertain significance. Last evaluated: 2021-03-31. Review status: criteria provided, single submitter. Criteria: Invitae Variant Classification Sherloc (09022015). Collection method: clinical testing. Allele origin: germline.
Comment: In summary, the available evidence is currently insufficient to determine the role of this variant in disease. Therefore, it has been classified as a Variant of Uncertain Significance. Algorithms developed to predict the effect of sequence changes on RNA splicing suggest that this variant may disrupt the consensus splice site, but this prediction has not been confirmed by published transcriptional studies. Algorithms developed to predict the effect of missense changes on protein structure and function are either unavailable or do not agree on the potential impact of this missense change (SIFT: "Deleterious"; PolyPhen-2: "Probably Damaging"; Align-GVGD: "Class C0"). This variant has not been reported in the literature in individuals with SKIV2L-related conditions. This variant is not present in population databases (ExAC no frequency). This sequence change replaces lysine with threonine at codon 657 of the SKIV2L protein (p.Lys657Thr). The lysine residue is highly conserved and there is a moderate physicochemical difference between lysine and threonine.